The following is an entry in ClinVar:

ClinVar aggregate classification (germline): Uncertain significance (1 of 4 stars; one submission).

gnomAD v4.1: 19 of 1,570,878 alleles (0.0012%); highest among the groups gnomAD compares: East Asian, 0.0046%; no homozygotes.

Submission:

CeGaT Center for Human Genetics Tuebingen
Classification: Uncertain significance. Last evaluated: 2026-03-01. Review status: criteria provided, single submitter. Criteria: CeGaT Center For Human Genetics Tuebingen Variant Classification Criteria Version 2. Collection method: clinical testing. Allele origin: germline. Affected: yes. Observed: 1 variant allele.
Comment: RNF216: PM2, BP4

NM_207111.4(RNF216):c.58C>T (p.Arg20Trp)

Gene: RNF216 (ring finger protein 216; minus strand). Cytogenetic location: 7p22.1.
Variant type: single nucleotide variant.
Coding change: c.58C>T on transcript NM_207111.4 (MANE Select); coding-DNA position 58, C replaced by T.
Protein change: p.Arg20Trp; replaces arginine 20 with tryptophan.
Molecular consequence: missense variant.
Genome position (GRCh38, 1-based): chr7:5,761,012, G>A on the plus strand (C>T on the coding strand, the complement: RNF216 is on the minus strand). VCF-style: chr7-5761012-G-A. GRCh37 (hg19) VCF-style: chr7-5800643-G-A.
Other names: c.58C>T, p.Arg20Trp (NM_001377156.1, NM_207116.3); short protein forms R20W.
Identifiers: ClinVar variation 4821638 (VCV004821638.4).